The following is an entry in ClinVar:

ClinVar aggregate classification (germline): Likely benign (0 of 4 stars; one submission).

Conditions:
DPP6-related disorder. Also called: DPP6-related condition.

Allele frequency attached by ClinVar (database versions not stated): gnomAD 0.00011; TOPMed 0.00018; ESP Exome Variant Server 0.00032.
gnomAD v4.1: 141 of 1,613,068 alleles (0.0087%); highest among the groups gnomAD compares: Admixed American, 0.1%; no homozygotes.

Submission:

PreventionGenetics, part of Exact Sciences
Classification: Likely benign for DPP6-related condition. Last evaluated: 2023-04-27. Review status: no assertion criteria provided. Collection method: clinical testing. Allele origin: germline.
Comment: This variant is classified as likely benign based on ACMG/AMP sequence variant interpretation guidelines (Richards et al. 2015 PMID: 25741868, with internal and published modifications).

NM_130797.4(DPP6):c.2333C>T (p.Ala778Val)

Gene: DPP6 (dipeptidyl peptidase like 6; plus strand). Cytogenetic location: 7q36.2.
Variant type: single nucleotide variant.
Coding change: c.2333C>T on transcript NM_130797.4 (MANE Select); coding-DNA position 2333, C replaced by T.
Protein change: p.Ala778Val; replaces alanine 778 with valine.
Molecular consequence: missense variant. On other transcripts: non-coding transcript variant (2).
Genome position (GRCh38, 1-based): chr7:154,889,300, C>T. VCF-style: chr7-154889300-C-T. GRCh37 (hg19) VCF-style: chr7-154681010-C-T.
Other names: c.2141C>T, p.Ala714Val (NM_001039350.3); c.2012C>T, p.Ala671Val (NM_001290252.2); c.2150C>T, p.Ala717Val (NM_001364497.2, NM_001364498.2, NM_001364499.2 and 1 more transcripts); c.2147C>T, p.Ala716Val (NM_001936.5); short protein forms A671V, A714V, A716V, A717V, A778V.
Identifiers: ClinVar variation 3051723 (VCV003051723.2), dbSNP rs201710106, ClinGen allele CA4583919.